The following is an entry in ClinVar:

NM_000673.7(ADH7):c.359G>A (p.Arg120His)

Gene: ADH7 (alcohol dehydrogenase 7 (class IV), mu or sigma polypeptide; minus strand). Cytogenetic location: 4q23.
Variant type: single nucleotide variant.
Coding change: c.359G>A on transcript NM_000673.7 (MANE Select); coding-DNA position 359, G replaced by A.
Protein change: p.Arg120His; replaces arginine 120 with histidine.
Molecular consequence: missense variant.
Genome position (GRCh38, 1-based): chr4:99,427,978, C>T on the plus strand (G>A on the coding strand, the complement: ADH7 is on the minus strand). VCF-style: chr4-99427978-C-T. GRCh37 (hg19) VCF-style: chr4-100349135-C-T.
Other names: c.419G>A, p.Arg140His (NM_001166504.2); short protein forms R120H, R140H.
Identifiers: ClinVar variation 3033494 (VCV003033494.2), dbSNP rs284797, ClinGen allele CA3020842.

ClinVar aggregate classification (germline): Likely benign (0 of 4 stars; one submission).

Conditions:
ADH7-related disorder. Also called: ADH7-related condition.

Allele frequency attached by ClinVar (database versions not stated): 1000 Genomes Project 0.00020; 1000 Genomes Project 30x 0.00031; ESP Exome Variant Server 0.00146; gnomAD 0.00156.
gnomAD v4.1: 3,667 of 1,613,864 alleles (0.23%); highest among the groups gnomAD compares: Non-Finnish European, 0.29%; 7 homozygotes.

Submission:

PreventionGenetics, part of Exact Sciences
Classification: Likely benign for ADH7-related condition. Last evaluated: 2021-08-10. Review status: no assertion criteria provided. Collection method: clinical testing. Allele origin: germline.
Comment: This variant is classified as likely benign based on ACMG/AMP sequence variant interpretation guidelines (Richards et al. 2015 PMID: 25741868, with internal and published modifications).